The following is an entry in ClinVar:

ClinVar aggregate classification (germline): Conflicting classifications of pathogenicity. Review status: criteria provided, conflicting classifications (1 of 4 stars). 4 submissions from 4 submitters: Uncertain significance (3); Likely benign (1). Last evaluated 2025-11-12.

Conditions:
Inborn genetic diseases. Identifiers: MedGen C0950123, MeSH D030342.
Bartter disease type 4A. Also called: BARTTER SYNDROME, NEONATAL, WITH SENSORINEURAL DEAFNESS; BARTTER SYNDROME, TYPE 4A, NEONATAL, WITH SENSORINEURAL DEAFNESS. Identifiers: Orphanet 112, MedGen C1865270, MONDO:0011242, OMIM 602522.

Allele frequency attached by ClinVar (database versions not stated): gnomAD exomes 0.00004 and 0.00006; ExAC 0.00007; gnomAD 0.00007; ESP Exome Variant Server 0.00008; TOPMed 0.00009.

Submissions (4):

Ambry Genetics
Classification: Uncertain significance for Inborn genetic diseases. Last evaluated: 2025-11-12. Review status: criteria provided, single submitter. Criteria: Ambry Variant Classification Scheme 2023. Collection method: clinical testing. Allele origin: germline.

Labcorp Genetics (formerly Invitae), Labcorp
Classification: Uncertain significance. Last evaluated: 2022-03-15. Review status: criteria provided, single submitter. Criteria: Invitae Variant Classification Sherloc (09022015). Collection method: clinical testing. Allele origin: germline.
Comment: This sequence change replaces aspartic acid, which is acidic and polar, with asparagine, which is neutral and polar, at codon 153 of the BSND protein (p.Asp153Asn). This variant is present in population databases (rs202128855, gnomAD 0.01%). This variant has not been reported in the literature in individuals affected with BSND-related conditions. ClinVar contains an entry for this variant (Variation ID: 178291). Algorithms developed to predict the effect of missense changes on protein structure and function output the following: SIFT: "Tolerated"; PolyPhen-2: "Benign"; Align-GVGD: "Class C0". The asparagine amino acid residue is found in multiple mammalian species, which suggests that this missense change does not adversely affect protein function. In summary, the available evidence is currently insufficient to determine the role of this variant in disease. Therefore, it has been classified as a Variant of Uncertain Significance.

Illumina Laboratory Services, Illumina
Classification: Uncertain significance for Bartter disease type 4A. Last evaluated: 2018-02-09. Review status: criteria provided, single submitter. Criteria: ICSL Variant Classification Criteria 13 December 2019. Collection method: clinical testing. Allele origin: germline.

Laboratory for Molecular Medicine, Mass General Brigham Personalized Medicine
Classification: Likely benign. Last evaluated: 2014-07-31. Review status: criteria provided, single submitter. Criteria: LMM Criteria. Collection method: clinical testing. Allele origin: germline. Observed: 1 variant allele.
Comment: Asp153Asn in exon 3 of BSND: This variant is not expected to have clinical signi ficance due to a lack of conservation across species, including mammals. Of note , bactrian camel and elephant have an asparagine (Asn) at this position despite high nearby amino acid conservation. In addition, computational prediction tools do not suggest a high likelihood of impact to the protein. This variant has bee n identified in 0.01% (1/8600) of European American chromosomes by the NHLBI Exo me Sequencing Project (dbSNP rs202128855).

NM_057176.3(BSND):c.457G>A (p.Asp153Asn)

Gene: BSND (barttin CLCNK type accessory subunit beta; plus strand). Cytogenetic location: 1p32.3.
Variant type: single nucleotide variant.
Coding change: c.457G>A on transcript NM_057176.3 (MANE Select); coding-DNA position 457, G replaced by A.
Protein change: p.Asp153Asn; replaces aspartic acid 153 with asparagine.
Molecular consequence: missense variant.
Genome position (GRCh38, 1-based): chr1:55,007,181, G>A. VCF-style: chr1-55007181-G-A. GRCh37 (hg19) VCF-style: chr1-55472854-G-A.
Other names: short protein forms D153N.
Identifiers: ClinVar variation 178291 (VCV000178291.12), dbSNP rs202128855, ClinGen allele CA182050.